The following is an entry in ClinVar:

ClinVar aggregate classification (germline): Uncertain significance (1 of 4 stars; one submission).

Conditions:
Hypertrophic cardiomyopathy. Also called: HYPERTROPHIC MYOCARDIOPATHY. Identifiers: Orphanet 217569, MedGen C0007194, MeSH D002312, MONDO:0005045, HP:0001639.

Allele frequency attached by ClinVar (database versions not stated): gnomAD exomes below 0.00001; ExAC 0.00001; gnomAD 0.00001; TOPMed 0.00001.

Submission:

Labcorp Genetics (formerly Invitae), Labcorp
Classification: Uncertain significance for Hypertrophic cardiomyopathy. Last evaluated: 2023-06-15. Review status: criteria provided, single submitter. Criteria: Invitae Variant Classification Sherloc (09022015). Collection method: clinical testing. Allele origin: germline.
Comment: In summary, the available evidence is currently insufficient to determine the role of this variant in disease. Therefore, it has been classified as a Variant of Uncertain Significance. This sequence change creates a premature translational stop signal (p.Ser2Ilefs*13) in the MYOM1 gene. It is expected to result in an absent or disrupted protein product. However, the current clinical and genetic evidence is not sufficient to establish whether loss-of-function variants in MYOM1 cause disease. This variant is present in population databases (rs757018850, gnomAD 0.007%). This variant has not been reported in the literature in individuals affected with MYOM1-related conditions.

NM_003803.4(MYOM1):c.3_4insA (p.Ser2fs)

Gene: MYOM1 (myomesin 1; minus strand). Cytogenetic location: 18p11.31.
Variant type: Insertion.
Coding change: c.3_4insA on transcript NM_003803.4 (MANE Select); coding-DNA positions 3 to 4, A inserted.
Protein change: p.Ser2fs; shifts the reading frame from serine 2.
Molecular consequence: frameshift variant, initiator codon variant.
Genome position: GRCh38 VCF-style: chr18-3215220-A-AT. GRCh37 (hg19) VCF-style: chr18-3215218-A-AT.
Other names: c.3_4insA, p.Ser2fs (NM_019856.2); short protein forms S2fs.
Identifiers: ClinVar variation 2815376 (VCV002815376.3), dbSNP rs757018850, ClinGen allele CA8875396.
Genomic context (GRCh38, chr18:3,215,220, plus strand): 5'-CGTCCTTGTTGCGGTAGCTGAGATCATAGTGCTGGTGGCACCTCTGATAAAAAGGCAAAG[A>AT]CATCCTGTGCCCCTTGAAGGAACCGGGCCACCTGAAGGAAAACAACACTTTTTGAGTGAC-3'